The following is an entry in ClinVar:

NM_022124.6(CDH23):c.5782G>C (p.Val1928Leu)

Gene: CDH23 (cadherin related 23; plus strand). Cytogenetic location: 10q22.1.
Variant type: single nucleotide variant.
Coding change: c.5782G>C on transcript NM_022124.6 (MANE Select); coding-DNA position 5782, G replaced by C.
Protein change: p.Val1928Leu; replaces valine 1928 with leucine.
Molecular consequence: missense variant.
Genome position (GRCh38, 1-based): chr10:71,785,700, G>C. VCF-style: chr10-71785700-G-C. GRCh37 (hg19) VCF-style: chr10-73545457-G-C.
Other names: short protein forms V1928L.
Identifiers: ClinVar variation 1327402 (VCV001327402.2), dbSNP rs2132940504, ClinGen allele CA377147965.

ClinVar aggregate classification (germline): Uncertain significance (1 of 4 stars; one submission).

Submission:

GeneDx
Classification: Uncertain significance. Last evaluated: 2021-06-04. Review status: criteria provided, single submitter. Criteria: GeneDx Variant Classification Process June 2021. Collection method: clinical testing. Allele origin: germline. Affected: yes.
Comment: Not observed at significant frequency in large population cohorts (Lek et al., 2016); In silico analysis supports that this missense variant does not alter protein structure/function; Has not been previously published as pathogenic or benign to our knowledge; This variant is associated with the following publications: (PMID: 27535533)